The following is an entry in ClinVar:

ClinVar aggregate classification (germline): Uncertain significance (1 of 4 stars; one submission).

gnomAD v4.1: 7 of 1,614,026 alleles (0.00043%); highest among the groups gnomAD compares: East Asian, 0.0022%; no homozygotes.

Submission:

GeneDx
Classification: Uncertain significance. Last evaluated: 2025-02-04. Review status: criteria provided, single submitter. Criteria: GeneDx Variant Classification Process June 2021. Collection method: clinical testing. Allele origin: germline. Affected: yes.
Comment: Not observed at significant frequency in large population cohorts (gnomAD); In silico analysis indicates that this missense variant does not alter protein structure/function; Has not been previously published as pathogenic or benign to our knowledge

NM_001039141.3(TRIOBP):c.1081C>G (p.Gln361Glu)

Gene: TRIOBP (TRIO and F-actin binding protein; plus strand). Cytogenetic location: 22q13.1.
Variant type: single nucleotide variant.
Coding change: c.1081C>G on transcript NM_001039141.3 (MANE Select); coding-DNA position 1081, C replaced by G.
Protein change: p.Gln361Glu; replaces glutamine 361 with glutamic acid.
Molecular consequence: missense variant.
Genome position (GRCh38, 1-based): chr22:37,723,637, C>G. VCF-style: chr22-37723637-C-G. GRCh37 (hg19) VCF-style: chr22-38119644-C-G.
Other names: short protein forms Q361E.
Identifiers: ClinVar variation 4072609 (VCV004072609.1).